The following is an entry in ClinVar:

NM_001099403.2(PRDM8):c.983G>C (p.Gly328Ala)

Genes: PRDM8 (PR/SET domain 8; plus strand), LOC129992744 (ATAC-STARR-seq lymphoblastoid silent region 15521; plus strand). Cytogenetic location: 4q21.21.
Variant type: single nucleotide variant.
Coding change: c.983G>C on transcript NM_001099403.2 (MANE Select); coding-DNA position 983, G replaced by C.
Protein change: p.Gly328Ala; replaces glycine 328 with alanine.
Molecular consequence: missense variant.
Genome position (GRCh38, 1-based): chr4:80,202,445, G>C. VCF-style: chr4-80202445-G-C. GRCh37 (hg19) VCF-style: chr4-81123599-G-C.
Other names: c.983G>C (NM_020226.3); c.983G>C, p.Gly328Ala (NM_020226.4); short protein forms G328A.
Identifiers: ClinVar variation 1019467 (VCV001019467.10), dbSNP rs1440891569, ClinGen allele CA357397457.
Genomic context (GRCh38, chr4:80,202,445, plus strand): 5'-GCGGCGGCAAAGGAAAGAGGAAATTCCCGGAGGAGGCGGCGGAGGGCGGCGGTGGCGCTG[G>C]TCTGGTAGGGGGCCGGGGCCGCTTCGTAGAGCGGCCCCTCCCGGCCTCCAAGGAGGATCT-3'
Protein context (NP_001092873.1, residues 318-338): EEAAEGGGGA[Gly328Ala]LVGGRGRFVE

ClinVar aggregate classification (germline): Uncertain significance. Review status: criteria provided, multiple submitters, no conflicts (2 of 4 stars). 2 submissions from 2 submitters: Uncertain significance (2). Last evaluated 2025-08-13.

Conditions:
Early-onset Lafora body disease. Also called: Epilepsy, progressive myoclonic, 10. Identifiers: Orphanet 324290, MedGen C4225258, MONDO:0014717, OMIM 616640.

Allele frequency attached by ClinVar (database versions not stated): TOPMed below 0.00001; gnomAD exomes 0.00001.

Submissions (2):

Ambry Genetics
Classification: Uncertain significance. Last evaluated: 2025-08-13. Review status: criteria provided, single submitter. Criteria: Ambry Variant Classification Scheme 2023. Collection method: clinical testing. Allele origin: germline.

Labcorp Genetics (formerly Invitae), Labcorp
Classification: Uncertain significance for Early-onset Lafora body disease. Last evaluated: 2025-05-12. Review status: criteria provided, single submitter. Criteria: Invitae Variant Classification Sherloc (09022015). Collection method: clinical testing. Allele origin: germline.
Comment: This sequence change replaces glycine, which is neutral and non-polar, with alanine, which is neutral and non-polar, at codon 328 of the PRDM8 protein (p.Gly328Ala). This variant is present in population databases (no rsID available, gnomAD 0.004%). This variant has not been reported in the literature in individuals affected with PRDM8-related conditions. ClinVar contains an entry for this variant (Variation ID: 1019467). An algorithm developed to predict the effect of missense changes on protein structure and function (PolyPhen-2) suggests that this variant is likely to be tolerated. In summary, the available evidence is currently insufficient to determine the role of this variant in disease. Therefore, it has been classified as a Variant of Uncertain Significance.